The following is an entry in ClinVar:

NM_001277075.3(ZNF541):c.676C>T (p.Leu226=)

Gene: ZNF541 (zinc finger protein 541; minus strand). Cytogenetic location: 19q13.33.
Variant type: single nucleotide variant.
Coding change: c.676C>T on transcript NM_001277075.3 (MANE Select); coding-DNA position 676, C replaced by T.
Protein change: p.Leu226=; no amino-acid change (leucine 226 retained).
Molecular consequence: synonymous variant.
Genome position (GRCh38, 1-based): chr19:47,545,853, G>A on the plus strand (C>T on the coding strand, the complement: ZNF541 is on the minus strand). VCF-style: chr19-47545853-G-A. GRCh37 (hg19) VCF-style: chr19-48049110-G-A.
Identifiers: ClinVar variation 2650157 (VCV002650157.24), dbSNP rs117338519, ClinGen allele CA9541429.

ClinVar aggregate classification (germline): Likely benign (1 of 4 stars; one submission).

Allele frequency attached by ClinVar (database versions not stated): 1000 Genomes Project 30x 0.00390; 1000 Genomes Project 0.00439; TOPMed 0.00504; ExAC 0.00754; gnomAD 0.00920.

Submission:

CeGaT Center for Human Genetics Tuebingen
Classification: Likely benign. Last evaluated: 2022-10-01. Review status: criteria provided, single submitter. Criteria: CeGaT Center For Human Genetics Tuebingen Variant Classification Criteria Version 2. Collection method: clinical testing. Allele origin: germline. Affected: yes. Observed: 1 variant allele.
Comment: ZNF541: BP4